The following is an entry in ClinVar:

ClinVar aggregate classification (germline): Uncertain significance. Review status: criteria provided, multiple submitters, no conflicts (2 of 4 stars). 7 submissions from 7 submitters: Uncertain significance (7). Last evaluated 2026-08-06.

Conditions:
Hereditary cancer-predisposing syndrome. Also called: Tumor predisposition; Hereditary neoplastic syndrome; Neoplastic Syndromes, Hereditary; Hereditary Cancer Syndrome. Identifiers: Orphanet 140162, MedGen C0027672, MeSH D009386, MONDO:0015356.
CHEK2-related cancer predisposition (TPDS4). Also called: TUMOR PREDISPOSITION SYNDROME 4; CANCER PREDISPOSITION SYNDROME, CHEK2-RELATED; CHEK2-related cancer susceptibility. Identifiers: Orphanet 524, MedGen C5882668, MONDO:0700271, OMIM 609265.
Familial cancer of breast. Also called: Hereditary breast cancer; hereditary breast carcinoma; BREAST CANCER, FAMILIAL. Identifiers: Orphanet 227535, MedGen C0346153, MONDO:0016419, OMIM 114480. Disease mechanism: loss of function.

Allele frequency attached by ClinVar (database versions not stated): gnomAD exomes below 0.00001; ExAC 0.00001; TOPMed 0.00002.
gnomAD v4.1: 2 of 1,610,906 alleles (0.00012%); highest among the groups gnomAD compares: Admixed American, 0.0017%; no homozygotes.

Submissions (7):

OLLIN Analises Genomicas, OLLIN
Classification: Uncertain significance for CHEK2-related cancer predisposition. Last evaluated: 2026-08-06. Review status: criteria provided, single submitter. Criteria: ACMG Guidelines 2015 PMID 25741868. Collection method: clinical testing. Allele origin: germline.
Comment: This missense variant, located in exon 6 (of 15), has been reported in ClinVar (accession VCV000233209.18) and in gnomAD with an allele frequency of 0.00012%. However, to our knowledge, it has not been reported in the scientific literature. In silico analysis predicts that this variant has a deleterious effect. According to the currently available evidence, this variant has been classified as uncertain significance (PP3_M).

Labcorp Genetics (formerly Invitae), Labcorp
Classification: Uncertain significance for Familial cancer of breast. Last evaluated: 2025-12-23. Review status: criteria provided, single submitter. Criteria: Invitae Variant Classification Sherloc (09022015). Collection method: clinical testing. Allele origin: germline.
Comment: This sequence change replaces glycine, which is neutral and non-polar, with valine, which is neutral and non-polar, at codon 232 of the CHEK2 protein (p.Gly232Val). This variant is present in population databases (rs779322187, gnomAD 0.003%). This missense change has been observed in individual(s) with breast cancer, prostate cancer, and/or uterine cancer (PMID: 29659569, 35264596, 35534704). ClinVar contains an entry for this variant (Variation ID: 460852). An algorithm developed to predict the effect of missense changes on protein structure and function (PolyPhen-2) suggests that this variant is likely to be disruptive. Experimental studies have shown that this missense change affects CHEK2 function (PMID: 37449874). In summary, the available evidence is currently insufficient to determine the role of this variant in disease. Therefore, it has been classified as a Variant of Uncertain Significance.

Dasa
Classification: Uncertain significance. Last evaluated: 2025-12-02. Review status: criteria provided, single submitter. Criteria: DASA Assertion Criteria. Collection method: clinical testing. Allele origin: germline.
Comment: NM_007194.4(CHEK2):c.695G>T (p.Gly232Val) is a missense variant that results in the substitution of glycine with valine. Multiple computational predictions support a deleterious effect on the gene or gene product. The variant is present at low frequency in population datasets. Based on the available data, this variant is classified as variant of uncertain significance.

Color Diagnostics, LLC DBA Color Health
Classification: Uncertain significance for Hereditary cancer-predisposing syndrome. Last evaluated: 2024-09-23. Review status: criteria provided, single submitter. Criteria: ACMG Guidelines, 2015. Collection method: clinical testing. Allele origin: germline.
Comment: This missense variant replaces glycine with valine at codon 232 of the CHEK2 protein. Computational prediction suggests that this variant may have deleterious impact on protein structure and function. Functional studies have shown that this variant is defective in KAP1 and CHK2 in vitro kinase assays (PMID: 37449874). This variant has been reported in individuals affected with breast and prostate cancers in the literature (PMID: 29659569, 35264596, 37436117). This variant has been identified in 1/251354 chromosomes in the general population by the Genome Aggregation Database (gnomAD). The available evidence is insufficient to determine the role of this variant in disease conclusively. Therefore, this variant is classified as a Variant of Uncertain Significance.

Ambry Genetics
Classification: Uncertain significance for Hereditary cancer-predisposing syndrome. Last evaluated: 2024-01-25. Review status: criteria provided, single submitter. Criteria: Ambry Variant Classification Scheme 2023. Collection method: clinical testing. Allele origin: germline.
Comment: The p.G232V variant (also known as c.695G>T), located in coding exon 5 of the CHEK2 gene, results from a G to T substitution at nucleotide position 695. The glycine at codon 232 is replaced by valine, an amino acid with dissimilar properties. This alteration was detected in 1/121 prostate cancer cases (Paulo P et al. PLoS Genet, 2018 04;14:e1007355). This alteration was also detected in a cohort of 1663 Brazilian breast cancer patients who underwent hereditary multigene panel testing (Guindalini RSC et al. Sci Rep, 2022 Mar;12:4190). This alteration was reported as functionally impaired in a study assessing CHEK2-complementation through quantification of KAP1 phosphorylation and CHK2 autophosphorylation in human RPE1-CHEK2-knockout cells (Stolarova L et al. Clin Cancer Res, 2023 Aug;29:3037-3050).This amino acid position is highly conserved in available vertebrate species. In addition, this alteration is predicted to be deleterious by in silico analysis. Based on the available evidence, the clinical significance of this alteration remains unclear.

Baylor Genetics
Classification: Uncertain significance for Familial cancer of breast. Last evaluated: 2023-10-09. Review status: criteria provided, single submitter. Criteria: ACMG Guidelines, 2015. Collection method: clinical testing. Allele origin: unknown.

Mendelics
Classification: Uncertain significance for Familial cancer of breast. Last evaluated: 2018-07-02. Review status: criteria provided, single submitter. Criteria: Mendelics Assertion Criteria 2017. Collection method: clinical testing. Allele origin: unknown.

Literature cited by the submitters: PubMed 29659569 (cited by 3 submitters); PubMed 35264596 (cited by 3 submitters); PubMed 35534704 (cited by Labcorp Genetics (formerly Invitae), Labcorp); PubMed 37449874 (cited by 3 submitters); PubMed 37436117 (cited by Color Diagnostics, LLC DBA Color Health).

NM_007194.4(CHEK2):c.695G>T (p.Gly232Val)

Gene: CHEK2 (checkpoint kinase 2; minus strand). Cytogenetic location: 22q12.1.
Variant type: single nucleotide variant.
Coding change: c.695G>T on transcript NM_007194.4 (MANE Select); coding-DNA position 695, G replaced by T.
Protein change: p.Gly232Val; replaces glycine 232 with valine.
Molecular consequence: missense variant.
Genome position (GRCh38, 1-based): chr22:28,712,006, C>A on the plus strand (G>T on the coding strand, the complement: CHEK2 is on the minus strand). VCF-style: chr22-28712006-C-A. GRCh37 (hg19) VCF-style: chr22-29107994-C-A.
Other names: c.32G>T, p.Gly11Val (NM_001257387.3); c.494G>T, p.Gly165Val (NM_001349956.3); c.695G>T, p.Gly232Val (NM_145862.3); c.824G>T, p.Gly275Val (NM_001005735.3); short protein forms G232V, G275V, G11V, G165V.
Identifiers: ClinVar variation 460852 (VCV000460852.19), dbSNP rs779322187, ClinGen allele CA10167899.